The following is an entry in ClinVar:

ClinVar aggregate classification (germline): Likely benign (1 of 4 stars; one submission).

gnomAD v4.1: 3 of 1,613,832 alleles (0.00019%); highest among the groups gnomAD compares: South Asian, 0.0011%; no homozygotes.

Submission:

CeGaT Center for Human Genetics Tuebingen
Classification: Likely benign. Last evaluated: 2026-02-01. Review status: criteria provided, single submitter. Criteria: CeGaT Center For Human Genetics Tuebingen Variant Classification Criteria Version 2. Collection method: clinical testing. Allele origin: germline. Affected: yes. Observed: 1 variant allele.
Comment: FBXW7: BP4

NM_001349798.2(FBXW7):c.1959G>T (p.Thr653=)

Gene: FBXW7 (F-box and WD repeat domain containing 7; minus strand). Cytogenetic location: 4q31.3.
Variant type: single nucleotide variant.
Coding change: c.1959G>T on transcript NM_001349798.2 (MANE Select); coding-DNA position 1959, G replaced by T.
Protein change: p.Thr653=; no amino-acid change (threonine 653 retained).
Molecular consequence: synonymous variant.
Genome position (GRCh38, 1-based): chr4:152,323,046, C>A on the plus strand (G>T on the coding strand, the complement: FBXW7 is on the minus strand). VCF-style: chr4-152323046-C-A. GRCh37 (hg19) VCF-style: chr4-153244198-C-A.
Other names: c.1605G>T, p.Thr535= (NM_001013415.2); c.1719G>T, p.Thr573= (NM_018315.5); c.1959G>T, p.Thr653= (NM_033632.3).
Identifiers: ClinVar variation 4821630 (VCV004821630.4).